The following is an entry in ClinVar:

NM_001170629.2(CHD8):c.2934A>G (p.Thr978=)

Gene: CHD8 (chromodomain helicase DNA binding protein 8; minus strand). Cytogenetic location: 14q11.2.
Variant type: single nucleotide variant.
Coding change: c.2934A>G on transcript NM_001170629.2 (MANE Select); coding-DNA position 2934, A replaced by G.
Protein change: p.Thr978=; no amino-acid change (threonine 978 retained).
Molecular consequence: synonymous variant.
Genome position (GRCh38, 1-based): chr14:21,405,838, T>C on the plus strand (A>G on the coding strand, the complement: CHD8 is on the minus strand). VCF-style: chr14-21405838-T-C. GRCh37 (hg19) VCF-style: chr14-21873997-T-C.
Other names: c.2097A>G, p.Thr699= (NM_020920.4).
Identifiers: ClinVar variation 2992145 (VCV002992145.5), dbSNP rs1393851689, ClinGen allele CA485001397.

ClinVar aggregate classification (germline): Benign/Likely benign. Review status: criteria provided, multiple submitters, no conflicts (2 of 4 stars). 2 submissions from 2 submitters: Benign (1); Likely benign (1). Last evaluated 2024-03-25.

Allele frequency attached by ClinVar (database versions not stated): gnomAD exomes below 0.00001; gnomAD 0.00003; TOPMed 0.00003.
gnomAD v4.1: 10 of 1,613,660 alleles (0.00062%); highest among the groups gnomAD compares: African/African-American, 0.008%; no homozygotes.

Submissions (2):

Women's Health and Genetics/Laboratory Corporation of America, LabCorp
Classification: Likely benign. Last evaluated: 2024-03-25. Review status: criteria provided, single submitter. Criteria: LabCorp Variant Classification Summary - May 2015. Collection method: clinical testing. Allele origin: germline.
Comment: Variant summary: CHD8 c.2934A>G alters a non-conserved nucleotide resulting in a synonymous change. Consensus agreement among computation tools predict no significant impact on normal splicing. However, these predictions have yet to be confirmed by functional studies. The variant allele was found at a frequency of 4e-06 in 248596 control chromosomes. The available data on variant occurrences in the general population are insufficient to allow any conclusion about variant significance. To our knowledge, no occurrence of c.2934A>G in individuals affected with CHD8-Related Disorders and no experimental evidence demonstrating its impact on protein function have been reported. ClinVar contains an entry for this variant (Variation ID: 2992145). Based on the evidence outlined above, the variant was classified as likely benign.

Labcorp Genetics (formerly Invitae), Labcorp
Classification: Benign. Last evaluated: 2023-01-10. Review status: criteria provided, single submitter. Criteria: Invitae Variant Classification Sherloc (09022015). Collection method: clinical testing. Allele origin: germline.